The following is an entry in ClinVar:

NM_000051.4(ATM):c.3288G>T (p.Leu1096Phe)

Gene: ATM (ATM serine/threonine kinase; plus strand). Cytogenetic location: 11q22.3.
Variant type: single nucleotide variant.
Coding change: c.3288G>T on transcript NM_000051.4 (MANE Select); coding-DNA position 3288, G replaced by T.
Protein change: p.Leu1096Phe; replaces leucine 1096 with phenylalanine.
Molecular consequence: missense variant.
Genome position (GRCh38, 1-based): chr11:108,279,494, G>T. VCF-style: chr11-108279494-G-T. GRCh37 (hg19) VCF-style: chr11-108150221-G-T.
Other names: c.3288G>T, p.Leu1096Phe (NM_001351834.2); short protein forms L1096F.
Identifiers: ClinVar variation 1729803 (VCV001729803.2), dbSNP rs2135642354, ClinGen allele CA382517257.
Genomic context (GRCh38, chr11:108,279,494, plus strand): 5'-TTTGAAATTAGAAAATTATTTCACTTTTTGTTTGTTTGTTTGCTTGCTTGTTTTAAGATT[G>T]TTCCAGGACACGAAGGGAGATTCTTCCAGGTTACTGAAAGCACTTCCTTTGAAGCTTCAG-3'
Protein context (NP_000042.3, residues 1086-1106): RMLAAESINR[Leu1096Phe]FQDTKGDSSR

ClinVar aggregate classification (germline): Uncertain significance (1 of 4 stars; one submission).

Conditions:
Hereditary cancer-predisposing syndrome. Also called: Neoplastic Syndromes, Hereditary; Tumor predisposition; Hereditary Cancer Syndrome; Hereditary neoplastic syndrome. Identifiers: Orphanet 140162, MedGen C0027672, MeSH D009386, MONDO:0015356.

Submission:

Ambry Genetics
Classification: Uncertain significance for Hereditary cancer-predisposing syndrome. Last evaluated: 2020-03-26. Review status: criteria provided, single submitter. Criteria: Ambry Variant Classification Scheme 2023. Collection method: clinical testing. Allele origin: germline.
Comment: The p.L1096F variant (also known as c.3288G>T), located in coding exon 22 of the ATM gene, results from a G to T substitution at nucleotide position 3288. The leucine at codon 1096 is replaced by phenylalanine, an amino acid with highly similar properties. This amino acid position is highly conserved in available vertebrate species. In addition, this alteration is predicted to be deleterious by in silico analysis. Since supporting evidence is limited at this time, the clinical significance of this alteration remains unclear.